The following is an entry in ClinVar:

ClinVar aggregate classification (germline): Benign/Likely benign. Review status: criteria provided, multiple submitters, no conflicts (2 of 4 stars). 2 submissions from 2 submitters: Benign (1); Likely benign (1). Last evaluated 2019-04-12.

Conditions:
Weill-Marchesani syndrome. Also called: WM Syndrome; Mesodermal dysmorphodystrophy congenital. Identifiers: Orphanet 3449, MedGen C0265313, MONDO:0018096.

Allele frequency attached by ClinVar (database versions not stated): gnomAD exomes 0.00074; gnomAD 0.00686 and 0.00739; 1000 Genomes Project 0.00779; TOPMed 0.00788; 1000 Genomes Project 30x 0.00843.
gnomAD v4.1: 1,268 of 477,816 alleles (0.27%); highest among the groups gnomAD compares: African/African-American, 2.3%; 17 homozygotes.

Submissions (2):

GeneDx
Classification: Likely benign. Last evaluated: 2019-04-12. Review status: criteria provided, single submitter. Criteria: GeneDx Variant Classification Process June 2021. Collection method: clinical testing. Allele origin: germline. Affected: yes.

Illumina Laboratory Services, Illumina
Classification: Benign for Weill-Marchesani syndrome. Last evaluated: 2018-01-13. Review status: criteria provided, single submitter. Criteria: ICSL Variant Classification Criteria 13 December 2019. Collection method: clinical testing. Allele origin: germline.
Comment: This variant was observed in the ICSL laboratory as part of a predisposition screen in an ostensibly healthy population. It had not been previously curated by ICSL or reported in the Human Gene Mutation Database (HGMD: prior to June 1st, 2018), and was therefore a candidate for classification through an automated scoring system. Utilizing variant allele frequency, disease prevalence and penetrance estimates, and inheritance mode, an automated score was calculated to assess if this variant is too frequent to cause the disease. Based on the score and internal cut-off values, a variant classified as benign is not then subjected to further curation. The score for this variant resulted in a classification of benign for this disease.

NM_030957.4(ADAMTS10):c.*259G>A

Gene: ADAMTS10 (ADAM metallopeptidase with thrombospondin type 1 motif 10; minus strand). Cytogenetic location: 19p13.2.
Variant type: single nucleotide variant.
Coding change: c.*259G>A on transcript NM_030957.4 (MANE Select); 259 bases downstream of the stop codon, G replaced by A.
Molecular consequence: 3 prime UTR variant.
Genome position (GRCh38, 1-based): chr19:8,580,634, C>T on the plus strand (G>A on the coding strand, the complement: ADAMTS10 is on the minus strand). VCF-style: chr19-8580634-C-T. GRCh37 (hg19) VCF-style: chr19-8645518-C-T.
Other names: c.*259G>A (NM_001282352.2).
Identifiers: ClinVar variation 893577 (VCV000893577.6), dbSNP rs74498506, ClinGen allele CA304996281.